The following is an entry in ClinVar:

NM_000036.3(AMPD1):c.2041G>A (p.Glu681Lys)

Gene: AMPD1 (adenosine monophosphate deaminase 1; minus strand). Cytogenetic location: 1p13.2.
Variant type: single nucleotide variant.
Coding change: c.2041G>A on transcript NM_000036.3 (MANE Select); coding-DNA position 2041, G replaced by A.
Protein change: p.Glu681Lys; replaces glutamic acid 681 with lysine.
Molecular consequence: missense variant.
Genome position (GRCh38, 1-based): chr1:114,673,683, C>T on the plus strand (G>A on the coding strand, the complement: AMPD1 is on the minus strand). VCF-style: chr1-114673683-C-T. GRCh37 (hg19) VCF-style: chr1-115216304-C-T.
Other names: c.2029G>A, p.Glu677Lys (NM_001172626.2); short protein forms E681K, E677K.
Identifiers: ClinVar variation 2169146 (VCV002169146.3), dbSNP rs374697989, ClinGen allele CA1019942.

ClinVar aggregate classification (germline): Uncertain significance (1 of 4 stars; one submission).

Conditions:
Muscle AMP deaminase deficiency (MMDD). Also called: Myoadenylate deaminase deficiency, myopathy due to; Adenosine monophosphate deaminase 1 deficiency; AMP deaminase 1 deficiency; Adenosine Monophosphate Deaminase 1; AMPD1 DEFICIENCY; ADENOSINE MONOPHOSPHATE DEAMINASE-1 DEFICIENCY, MYOPATHY DUE TO. Identifiers: Orphanet 45, MedGen C3714933, MONDO:0014220, OMIM 615511.

Allele frequency attached by ClinVar (database versions not stated): ExAC 0.00002; gnomAD 0.00003; 1000 Genomes Project 30x 0.00016; 1000 Genomes Project 0.00020.
gnomAD v4.1: 14 of 1,614,106 alleles (0.00087%); highest among the groups gnomAD compares: African/African-American, 0.0027%; no homozygotes.

Submission:

Labcorp Genetics (formerly Invitae), Labcorp
Classification: Uncertain significance for Muscle AMP deaminase deficiency. Last evaluated: 2025-10-01. Review status: criteria provided, single submitter. Criteria: Invitae Variant Classification Sherloc (09022015). Collection method: clinical testing. Allele origin: germline.
Comment: This sequence change replaces glutamic acid, which is acidic and polar, with lysine, which is basic and polar, at codon 714 of the AMPD1 protein (p.Glu714Lys). This variant is present in population databases (rs374697989, gnomAD 0.01%). This variant has not been reported in the literature in individuals affected with AMPD1-related conditions. ClinVar contains an entry for this variant (Variation ID: 2169146). Invitae Evidence Modeling of protein sequence and biophysical properties (such as structural, functional, and spatial information, amino acid conservation, physicochemical variation, residue mobility, and thermodynamic stability) indicates that this missense variant is expected to disrupt AMPD1 protein function with a positive predictive value of 80%. In summary, the available evidence is currently insufficient to determine the role of this variant in disease. Therefore, it has been classified as a Variant of Uncertain Significance.